The following is an entry in ClinVar:

NM_033159.4(HYAL1):c.1202G>A (p.Arg401Gln)

Gene: HYAL1 (hyaluronidase 1; minus strand). Cytogenetic location: 3p21.31.
Variant type: single nucleotide variant.
Coding change: c.1202G>A on transcript NM_033159.4 (MANE Select); coding-DNA position 1202, G replaced by A.
Protein change: p.Arg401Gln; replaces arginine 401 with glutamine.
Molecular consequence: missense variant. On other transcripts: non-coding transcript variant (1).
Genome position (GRCh38, 1-based): chr3:50,300,589, C>T on the plus strand (G>A on the coding strand, the complement: HYAL1 is on the minus strand). VCF-style: chr3-50300589-C-T. GRCh37 (hg19) VCF-style: chr3-50338020-C-T.
Other names: c.1202G>A (NM_153281.1); c.1202G>A, p.Arg401Gln (NM_007312.3, NM_153281.2); c.1112G>A, p.Arg371Gln (NM_153282.3); c.656G>A, p.Arg219Gln (NM_153283.3); c.425G>A, p.Arg142Gln (NM_153285.3); short protein forms R142Q, R371Q, R219Q, R401Q.
Identifiers: ClinVar variation 2143368 (VCV002143368.3), dbSNP rs781849333, ClinGen allele CA2415708.

ClinVar aggregate classification (germline): Conflicting classifications of pathogenicity. Review status: criteria provided, conflicting classifications (1 of 4 stars). 2 submissions from 2 submitters: Uncertain significance (1); Likely benign (1). Last evaluated 2025-01-19.

Conditions:
Deficiency of hyaluronoglucosaminidase (MPS9). Also called: HYALURONIDASE DEFICIENCY; MPS IX; Mucopolysaccharidosis type 9. Identifiers: Orphanet 67041, MedGen C1291490, MONDO:0011093, OMIM 601492.

Allele frequency attached by ClinVar (database versions not stated): gnomAD 0.00001; gnomAD exomes 0.00003; TOPMed 0.00003; ExAC 0.00008.
gnomAD v4.1: 51 of 1,614,054 alleles (0.0032%); highest among the groups gnomAD compares: Admixed American, 0.023%; no homozygotes.

Submissions (2):

Ambry Genetics
Classification: Likely benign. Last evaluated: 2025-01-19. Review status: criteria provided, single submitter. Criteria: Ambry Variant Classification Scheme 2023. Collection method: clinical testing. Allele origin: germline.

Labcorp Genetics (formerly Invitae), Labcorp
Classification: Uncertain significance for Deficiency of hyaluronoglucosaminidase. Last evaluated: 2024-04-29. Review status: criteria provided, single submitter. Criteria: Invitae Variant Classification Sherloc (09022015). Collection method: clinical testing. Allele origin: germline.
Comment: This sequence change replaces arginine, which is basic and polar, with glutamine, which is neutral and polar, at codon 401 of the HYAL1 protein (p.Arg401Gln). This variant is present in population databases (rs781849333, gnomAD 0.04%). This variant has not been reported in the literature in individuals affected with HYAL1-related conditions. ClinVar contains an entry for this variant (Variation ID: 2143368). Algorithms developed to predict the effect of missense changes on protein structure and function output the following: SIFT: "Not Available"; PolyPhen-2: "Benign"; Align-GVGD: "Not Available". The glutamine amino acid residue is found in multiple mammalian species, which suggests that this missense change does not adversely affect protein function. In summary, the available evidence is currently insufficient to determine the role of this variant in disease. Therefore, it has been classified as a Variant of Uncertain Significance.